The following is an entry in ClinVar:

ClinVar aggregate classification (germline): Likely benign (0 of 4 stars; one submission).

Conditions:
TBC1D1-related disorder. Also called: TBC1D1-related condition.

Submission:

PreventionGenetics, part of Exact Sciences
Classification: Likely benign for TBC1D1-related condition. Last evaluated: 2024-08-15. Review status: no assertion criteria provided. Collection method: clinical testing. Allele origin: germline.
Comment: This variant is classified as likely benign based on ACMG/AMP sequence variant interpretation guidelines (Richards et al. 2015 PMID: 25741868, with internal and published modifications).

NM_001396959.1(TBC1D1):c.1077+3GA[2]

Genes: TBC1D1 (TBC1 domain family member 1; plus strand), LOC126807034 (BRD4-independent group 4 enhancer GRCh37_chr4:38021983-38023182; plus strand). Cytogenetic location: 4p14.
Variant type: Microsatellite.
Coding change: c.1077+3GA[2] on transcript NM_001396959.1 (MANE Select); two copies in a row of the 2-base unit GA starting at c.1077+3.
Molecular consequence: intron variant.
Genome position: GRCh38 VCF-style: chr4-38020697-TGA-T. GRCh37 (hg19) VCF-style: chr4-38022318-TGA-T.
Other names: c.1077+3GA[2] (NM_001253912.2, NM_015173.4).
Identifiers: ClinVar variation 3349219 (VCV003349219.1).